The following is an entry in ClinVar:

ClinVar aggregate classification (germline): Uncertain significance (1 of 4 stars; one submission).

Conditions:
POLD1-related polyposis and colorectal cancer syndrome (CRCS10). Also called: Colorectal cancer 10; COLORECTAL CANCER, SUSCEPTIBILITY TO, ON CHROMOSOME 19q; Colorectal cancer, susceptibility to, 10. Identifiers: Orphanet 220460, MedGen C2675481, MONDO:0012953, OMIM 612591.

Submission:

Labcorp Genetics (formerly Invitae), Labcorp
Classification: Uncertain significance for POLD1-related polyposis and colorectal cancer syndrome. Last evaluated: 2023-02-14. Review status: criteria provided, single submitter. Criteria: Invitae Variant Classification Sherloc (09022015). Collection method: clinical testing. Allele origin: germline.
Comment: This sequence change falls in intron 18 of the POLD1 gene. It does not directly change the encoded amino acid sequence of the POLD1 protein. It affects a nucleotide within the consensus splice site. This variant is not present in population databases (gnomAD no frequency). This variant has not been reported in the literature in individuals affected with POLD1-related conditions. Variants that disrupt the consensus splice site are a relatively common cause of aberrant splicing (PMID: 17576681, 9536098). Algorithms developed to predict the effect of sequence changes on RNA splicing suggest that this variant is not likely to affect RNA splicing. In summary, the available evidence is currently insufficient to determine the role of this variant in disease. Therefore, it has been classified as a Variant of Uncertain Significance.

Literature cited by the submitters: PubMed 17576681; PubMed 9536098.

NM_002691.4(POLD1):c.2250+6G>C

Gene: POLD1 (DNA polymerase delta 1, catalytic subunit; plus strand). Cytogenetic location: 19q13.33.
Variant type: single nucleotide variant.
Coding change: c.2250+6G>C on transcript NM_002691.4 (MANE Select); 6 bases into the intron after coding-DNA position 2250, G replaced by C.
Molecular consequence: intron variant.
Genome position (GRCh38, 1-based): chr19:50,413,527, G>C. VCF-style: chr19-50413527-G-C. GRCh37 (hg19) VCF-style: chr19-50916784-G-C.
Other names: c.2250+6G>C (NM_001256849.1); c.2328+6G>C (NM_001308632.1).
Identifiers: ClinVar variation 2837240 (VCV002837240.3), dbSNP rs2514036391, ClinGen allele CA2739276967.